The following is an entry in ClinVar:

ClinVar aggregate classification (germline): Uncertain significance (1 of 4 stars; one submission).

Conditions:
Hereditary cancer-predisposing syndrome. Also called: Neoplastic Syndromes, Hereditary; Tumor predisposition; Hereditary neoplastic syndrome; Hereditary Cancer Syndrome. Identifiers: Orphanet 140162, MedGen C0027672, MeSH D009386, MONDO:0015356.

Allele frequency attached by ClinVar (database versions not stated): gnomAD exomes below 0.00001.
gnomAD v4.1: 1 of 1,613,754 alleles (0.000062%); highest among the groups gnomAD compares: East Asian, 0.0022%; no homozygotes.

Submission:

Ambry Genetics
Classification: Uncertain significance for Hereditary cancer-predisposing syndrome. Last evaluated: 2023-03-02. Review status: criteria provided, single submitter. Criteria: Ambry Variant Classification Scheme 2023. Collection method: clinical testing. Allele origin: germline.
Comment: The p.Q333P variant (also known as c.998A>C), located in coding exon 11 of the CDC73 gene, results from an A to C substitution at nucleotide position 998. The glutamine at codon 333 is replaced by proline, an amino acid with similar properties. This amino acid position is conserved. In addition, the in silico prediction for this alteration is inconclusive. Since supporting evidence is limited at this time, the clinical significance of this alteration remains unclear.

NM_024529.5(CDC73):c.998A>C (p.Gln333Pro)

Gene: CDC73 (cell division cycle 73; plus strand). Cytogenetic location: 1q31.2.
Variant type: single nucleotide variant.
Coding change: c.998A>C on transcript NM_024529.5 (MANE Select); coding-DNA position 998, A replaced by C.
Protein change: p.Gln333Pro; replaces glutamine 333 with proline.
Molecular consequence: missense variant.
Genome position (GRCh38, 1-based): chr1:193,203,820, A>C. VCF-style: chr1-193203820-A-C. GRCh37 (hg19) VCF-style: chr1-193172950-A-C.
Other names: short protein forms Q333P.
Identifiers: ClinVar variation 2450593 (VCV002450593.2), dbSNP rs1182056800, ClinGen allele CA344076129.